The following is an entry in ClinVar:

ClinVar aggregate classification (germline): Likely pathogenic. Review status: criteria provided, multiple submitters, no conflicts (2 of 4 stars). 2 submissions from 2 submitters: Likely pathogenic (2). Last evaluated 2025-08-25.

Conditions:
Osteogenesis imperfecta type 8 (OI8). Identifiers: MedGen C1970458, MONDO:0012581, OMIM 610915.

Submissions (2):

Labcorp Genetics (formerly Invitae), Labcorp
Classification: Likely pathogenic for Osteogenesis imperfecta type 8. Last evaluated: 2025-08-25. Review status: criteria provided, single submitter. Criteria: Invitae Variant Classification Sherloc (09022015). Collection method: clinical testing. Allele origin: germline.
Comment: This sequence change affects an acceptor splice site in intron 3 of the P3H1 gene. It is expected to disrupt RNA splicing. Variants that disrupt the donor or acceptor splice site typically lead to a loss of protein function (PMID: 16199547), and loss-of-function variants in P3H1 are known to be pathogenic (PMID: 17277775, 18566967, 19088120, 22281939). This variant is not present in population databases (gnomAD no frequency). This variant has not been reported in the literature in individuals affected with P3H1-related conditions. ClinVar contains an entry for this variant (Variation ID: 2901276). Algorithms developed to predict the effect of sequence changes on RNA splicing suggest that this variant may disrupt the consensus splice site. In summary, the currently available evidence indicates that the variant is pathogenic, but additional data are needed to prove that conclusively. Therefore, this variant has been classified as Likely Pathogenic.

Department of Medical Genetics, Sanjay Gandhi Post Graduate Institute of Medical Sciences
Classification: Likely pathogenic for Osteogenesis imperfecta type 8. Last evaluated: 2022-04-06. Review status: criteria provided, single submitter. Criteria: ACMG Guidelines, 2015. Collection method: research. Allele origin: inherited. Inheritance: Autosomal recessive inheritance. Affected: yes. Observed: 1 homozygote.
Comment: Variants that disrupt the donor or acceptor splice site typically lead to a loss of protein function (PMID: 16199547), and loss-of-function variants in P3H1 are known to be pathogenic (PMID: 17277775, 18566967, 19088120, 22281939). No functional studies has been reported for this variation. Based on the above evidences this P3H1 variant has been classified as likely pathogenic according to the ACMG/ AMP guidelines (PVS1, PM2).

Literature cited by the submitters: PubMed 16199547 (cited by Labcorp Genetics (formerly Invitae), Labcorp); PubMed 17277775 (cited by Labcorp Genetics (formerly Invitae), Labcorp and Department of Medical Genetics, Sanjay Gandhi Post Graduate Institute of Medical Sciences); PubMed 18566967 (cited by Labcorp Genetics (formerly Invitae), Labcorp); PubMed 19088120 (cited by Labcorp Genetics (formerly Invitae), Labcorp); PubMed 22281939 (cited by Labcorp Genetics (formerly Invitae), Labcorp).

NM_022356.4(P3H1):c.809-1G>A

Gene: P3H1 (prolyl 3-hydroxylase 1; minus strand). Cytogenetic location: 1p34.2.
Variant type: single nucleotide variant.
Coding change: c.809-1G>A on transcript NM_022356.4 (MANE Select); the canonical splice acceptor site of the intron before coding-DNA position 809, G replaced by A.
Molecular consequence: splice acceptor variant.
Genome position (GRCh38, 1-based): chr1:42,758,984, C>T on the plus strand (G>A on the coding strand, the complement: P3H1 is on the minus strand). VCF-style: chr1-42758984-C-T. GRCh37 (hg19) VCF-style: chr1-43224655-C-T.
Other names: c.809-1G>A (NM_001146289.2, NM_001243246.2).
Identifiers: ClinVar variation 2901276 (VCV002901276.3), dbSNP rs758415465, ClinGen allele CA339959620.